The following is an entry in ClinVar:

NM_001288705.3(CSF1R):c.1133G>A (p.Arg378His)

Gene: CSF1R (colony stimulating factor 1 receptor; minus strand). Cytogenetic location: 5q32.
Variant type: single nucleotide variant.
Coding change: c.1133G>A on transcript NM_001288705.3 (MANE Select); coding-DNA position 1133, G replaced by A.
Protein change: p.Arg378His; replaces arginine 378 with histidine.
Molecular consequence: missense variant. On other transcripts: non-coding transcript variant (2).
Genome position (GRCh38, 1-based): chr5:150,070,521, C>T on the plus strand (G>A on the coding strand, the complement: CSF1R is on the minus strand). VCF-style: chr5-150070521-C-T. GRCh37 (hg19) VCF-style: chr5-149450084-C-T.
Other names: c.1133G>A, p.Arg378His (NM_001349736.2, NM_001375320.1, NM_005211.4); c.689G>A, p.Arg230His (NM_001375321.1); short protein forms R230H, R378H.
Identifiers: ClinVar variation 3616507 (VCV003616507.2).

ClinVar aggregate classification (germline): Uncertain significance (1 of 4 stars; one submission).

gnomAD v4.1: 25 of 1,552,642 alleles (0.0016%); highest among the groups gnomAD compares: Middle Eastern, 0.033%; no homozygotes.

Submission:

Labcorp Genetics (formerly Invitae), Labcorp
Classification: Uncertain significance. Last evaluated: 2024-08-21. Review status: criteria provided, single submitter. Criteria: Invitae Variant Classification Sherloc (09022015). Collection method: clinical testing. Allele origin: germline.
Comment: This sequence change replaces arginine, which is basic and polar, with histidine, which is basic and polar, at codon 378 of the CSF1R protein (p.Arg378His). The frequency data for this variant in the population databases is considered unreliable, as metrics indicate poor data quality at this position in the gnomAD database. This variant has not been reported in the literature in individuals affected with CSF1R-related conditions. Invitae Evidence Modeling of protein sequence and biophysical properties (such as structural, functional, and spatial information, amino acid conservation, physicochemical variation, residue mobility, and thermodynamic stability) indicates that this missense variant is not expected to disrupt CSF1R protein function with a negative predictive value of 95%. In summary, the available evidence is currently insufficient to determine the role of this variant in disease. Therefore, it has been classified as a Variant of Uncertain Significance.